The following is an entry in ClinVar:

NM_020381.4(PDSS2):c.445G>T (p.Ala149Ser)

Gene: PDSS2 (decaprenyl diphosphate synthase subunit 2; minus strand). Cytogenetic location: 6q21.
Variant type: single nucleotide variant.
Coding change: c.445G>T on transcript NM_020381.4 (MANE Select); coding-DNA position 445, G replaced by T.
Protein change: p.Ala149Ser; replaces alanine 149 with serine.
Molecular consequence: missense variant.
Genome position (GRCh38, 1-based): chr6:107,274,214, C>A on the plus strand (G>T on the coding strand, the complement: PDSS2 is on the minus strand). VCF-style: chr6-107274214-C-A. GRCh37 (hg19) VCF-style: chr6-107595418-C-A.
Other names: short protein forms A149S.
Identifiers: ClinVar variation 2989304 (VCV002989304.3), dbSNP rs1263277213, ClinGen allele CA365324576.

ClinVar aggregate classification (germline): Uncertain significance (1 of 4 stars; one submission).

gnomAD v4.1: 2 of 1,612,898 alleles (0.00012%); highest among the groups gnomAD compares: Non-Finnish European, 0.00017%; no homozygotes.

Submission:

Labcorp Genetics (formerly Invitae), Labcorp
Classification: Uncertain significance. Last evaluated: 2023-08-30. Review status: criteria provided, single submitter. Criteria: Invitae Variant Classification Sherloc (09022015). Collection method: clinical testing. Allele origin: germline.
Comment: This sequence change replaces alanine, which is neutral and non-polar, with serine, which is neutral and polar, at codon 149 of the PDSS2 protein (p.Ala149Ser). This variant is not present in population databases (gnomAD no frequency). This variant has not been reported in the literature in individuals affected with PDSS2-related conditions. Advanced modeling of protein sequence and biophysical properties (such as structural, functional, and spatial information, amino acid conservation, physicochemical variation, residue mobility, and thermodynamic stability) performed at Invitae indicates that this missense variant is not expected to disrupt PDSS2 protein function. In summary, the available evidence is currently insufficient to determine the role of this variant in disease. Therefore, it has been classified as a Variant of Uncertain Significance.